The following is an entry in ClinVar:

NM_007103.4(NDUFV1):c.1339G>A (p.Glu447Lys)

Genes: NDUFV1 (NADH:ubiquinone oxidoreductase core subunit V1; plus strand), LOC126861242 (CDK7 strongly-dependent group 2 enhancer GRCh37_chr11:67379204-67380403; plus strand). Cytogenetic location: 11q13.2.
Variant type: single nucleotide variant.
Coding change: c.1339G>A on transcript NM_007103.4 (MANE Select); coding-DNA position 1339, G replaced by A.
Protein change: p.Glu447Lys; replaces glutamic acid 447 with lysine.
Molecular consequence: missense variant.
Genome position (GRCh38, 1-based): chr11:67,612,402, G>A. VCF-style: chr11-67612402-G-A. GRCh37 (hg19) VCF-style: chr11-67379873-G-A.
Other names: c.1312G>A, p.Glu438Lys (NM_001166102.2); short protein forms E447K, E438K.
Identifiers: ClinVar variation 2605555 (VCV002605555.4), dbSNP rs769368657, ClinGen allele CA6143509.

ClinVar aggregate classification (germline): Uncertain significance. Review status: criteria provided, multiple submitters, no conflicts (2 of 4 stars). 3 submissions from 3 submitters: Uncertain significance (3). Last evaluated 2023-12-09.

Conditions:
Inborn genetic diseases. Identifiers: MedGen C0950123, MeSH D030342.
Mitochondrial complex I deficiency, nuclear type 4. Also called: Mitochondrial complex 1 deficiency, nuclear type 4. Identifiers: MedGen C4748753, MONDO:0032609, OMIM 618225.

Allele frequency attached by ClinVar (database versions not stated): gnomAD exomes 0.00001; TOPMed 0.00001; ExAC 0.00003.

Submissions (3):

Labcorp Genetics (formerly Invitae), Labcorp
Classification: Uncertain significance. Last evaluated: 2023-12-09. Review status: criteria provided, single submitter. Criteria: Invitae Variant Classification Sherloc (09022015). Collection method: clinical testing. Allele origin: germline.
Comment: This sequence change replaces glutamic acid, which is acidic and polar, with lysine, which is basic and polar, at codon 447 of the NDUFV1 protein (p.Glu447Lys). This variant is present in population databases (rs769368657, gnomAD 0.03%). This variant has not been reported in the literature in individuals affected with NDUFV1-related conditions. Advanced modeling of protein sequence and biophysical properties (such as structural, functional, and spatial information, amino acid conservation, physicochemical variation, residue mobility, and thermodynamic stability) performed at Invitae indicates that this missense variant is not expected to disrupt NDUFV1 protein function with a negative predictive value of 80%. In summary, the available evidence is currently insufficient to determine the role of this variant in disease. Therefore, it has been classified as a Variant of Uncertain Significance.

Ambry Genetics
Classification: Uncertain significance for Inborn genetic diseases. Last evaluated: 2023-06-22. Review status: criteria provided, single submitter. Criteria: Ambry Variant Classification Scheme 2023. Collection method: clinical testing. Allele origin: germline.

Department of Pathology and Laboratory Medicine, Sinai Health System
Classification: Uncertain significance for Mitochondrial complex I deficiency, nuclear type 4. Last evaluated: 2021-12-16. Review status: criteria provided, single submitter. Criteria: ACMG Guidelines, 2015. Collection method: research. Allele origin: germline.